The following is an entry in ClinVar:

ClinVar aggregate classification (germline): Uncertain significance. Review status: criteria provided, single submitter (1 of 4 stars). 2 submissions from 2 submitters: Uncertain significance (1). 1 of the submissions does not count toward it. Last evaluated 2022-08-10.

Conditions:
Mucopolysaccharidosis, MPS-IV-B (MPS4B). Also called: MORQUIO SYNDROME B; Mucopolysaccharidosis Type IVB; Mucopolysaccharidosis type IV B; Mucopolysaccharidosis type 4B; Mucopolysaccharidosis type IVB (Morquio); MPS IVB. Identifiers: Orphanet 309310, Orphanet 582, MedGen C0086652, MONDO:0009660, OMIM 253010.
GM1 gangliosidosis. Identifiers: Orphanet 354, MedGen C0085131, MONDO:0018149.
Intellectual disability. Also called: intellectual disabilities; Intellectual developmental disorder; Intellectual functioning disability. Identifiers: MedGen C3714756, MeSH D008607, MONDO:0001071, HP:0001249.

Allele frequency attached by ClinVar (database versions not stated): gnomAD exomes 0.00002 and below 0.00001; ExAC 0.00002.
gnomAD v4.1: 7 of 1,614,232 alleles (0.00043%); highest among the groups gnomAD compares: South Asian, 0.0044%; no homozygotes.

Submissions (2):

Labcorp Genetics (formerly Invitae), Labcorp
Classification: Uncertain significance for Mucopolysaccharidosis, MPS-IV-B; GM1 gangliosidosis. Last evaluated: 2022-08-10. Review status: criteria provided, single submitter. Criteria: Invitae Variant Classification Sherloc (09022015). Collection method: clinical testing. Allele origin: germline.
Comment: This sequence change replaces glutamic acid, which is acidic and polar, with lysine, which is basic and polar, at codon 287 of the GLB1 protein (p.Glu287Lys). This variant is present in population databases (rs748853764, gnomAD 0.01%). This variant has not been reported in the literature in individuals affected with GLB1-related conditions. ClinVar contains an entry for this variant (Variation ID: 975401). Advanced modeling of protein sequence and biophysical properties (such as structural, functional, and spatial information, amino acid conservation, physicochemical variation, residue mobility, and thermodynamic stability) performed at Invitae indicates that this missense variant is not expected to disrupt GLB1 protein function. In summary, the available evidence is currently insufficient to determine the role of this variant in disease. Therefore, it has been classified as a Variant of Uncertain Significance.

Centre de Biologie Pathologie Génétique, Centre Hospitalier Universitaire de Lille
Classification: Likely benign for Intellectual disability. Last evaluated: 2019-01-01. Review status: no assertion criteria provided. Collection method: clinical testing. Allele origin: inherited. Affected: yes. Not counted in ClinVar's aggregate classification.

NM_000404.4(GLB1):c.859G>A (p.Glu287Lys)

Gene: GLB1 (galactosidase beta 1; minus strand). Cytogenetic location: 3p22.3.
Variant type: single nucleotide variant.
Coding change: c.859G>A on transcript NM_000404.4 (MANE Select); coding-DNA position 859, G replaced by A.
Protein change: p.Glu287Lys; replaces glutamic acid 287 with lysine.
Molecular consequence: missense variant.
Genome position (GRCh38, 1-based): chr3:33,051,938, C>T on the plus strand (G>A on the coding strand, the complement: GLB1 is on the minus strand). VCF-style: chr3-33051938-C-T. GRCh37 (hg19) VCF-style: chr3-33093430-C-T.
Other names: c.769G>A, p.Glu257Lys (NM_001079811.3); c.466G>A, p.Glu156Lys (NM_001135602.3); c.1003G>A, p.Glu335Lys (NM_001317040.2); c.859G>A, p.Glu287Lys (NM_001393580.1); short protein forms E156K, E257K, E287K, E335K.
Identifiers: ClinVar variation 975401 (VCV000975401.3), dbSNP rs748853764, ClinGen allele CA2299577.